The following is an entry in ClinVar:

ClinVar aggregate classification (germline): Uncertain significance (1 of 4 stars; one submission).

Submission:

Labcorp Genetics (formerly Invitae), Labcorp
Classification: Uncertain significance. Last evaluated: 2024-02-17. Review status: criteria provided, single submitter. Criteria: Invitae Variant Classification Sherloc (09022015). Collection method: clinical testing. Allele origin: germline.
Comment: This sequence change replaces glutamine with arginine at codon 821 of the UNC80 protein (p.Gln821Arg). The glutamine residue is moderately conserved and there is a small physicochemical difference between glutamine and arginine. This variant is not present in population databases (gnomAD no frequency). This variant has not been reported in the literature in individuals affected with UNC80-related conditions. ClinVar contains an entry for this variant (Variation ID: 1442632). An algorithm developed to predict the effect of missense changes on protein structure and function (PolyPhen-2) suggests that this variant is likely to be disruptive. In summary, the available evidence is currently insufficient to determine the role of this variant in disease. Therefore, it has been classified as a Variant of Uncertain Significance.

NM_001371986.1(UNC80):c.2462A>G (p.Gln821Arg)

Gene: UNC80 (unc-80 subunit of NALCN channel complex; plus strand). Cytogenetic location: 2q34.
Variant type: single nucleotide variant.
Coding change: c.2462A>G on transcript NM_001371986.1 (MANE Select); coding-DNA position 2462, A replaced by G.
Protein change: p.Gln821Arg; replaces glutamine 821 with arginine.
Molecular consequence: missense variant.
Genome position (GRCh38, 1-based): chr2:209,826,037, A>G. VCF-style: chr2-209826037-A-G. GRCh37 (hg19) VCF-style: chr2-210690761-A-G.
Other names: c.2462A>G, p.Gln821Arg (NM_032504.2, NM_182587.4); short protein forms Q821R.
Identifiers: ClinVar variation 1442632 (VCV001442632.6), dbSNP rs2153828209, ClinGen allele CA350137450.